The following is an entry in ClinVar:

NM_001165963.4(SCN1A):c.4002+2352A>C

Genes: SCN1A (sodium voltage-gated channel alpha subunit 1; minus strand), LOC102724058 (uncharacterized LOC102724058; plus strand). Cytogenetic location: 2q24.3.
Variant type: single nucleotide variant.
Coding change: c.4002+2352A>C on transcript NM_001165963.4 (MANE Select); 2352 bases into the intron after coding-DNA position 4002, A replaced by C.
Molecular consequence: intron variant.
Genome position (GRCh38, 1-based): chr2:166,007,367, T>G on the plus strand (A>C on the coding strand, the complement: SCN1A is on the minus strand). VCF-style: chr2-166007367-T-G. GRCh37 (hg19) VCF-style: chr2-166863877-T-G.
Other names: c.3969+2352A>C (NM_001353949.2, NM_001353950.2, NM_001353951.2 and 2 more transcripts); c.3918+2352A>C (NM_001353958.2, NM_001353957.2, NM_001165964.3); c.4002+2352A>C (NM_001202435.3, NM_001353948.2); c.3966+2352A>C (NM_001353955.2, NM_001353954.2); c.3915+2352A>C (NM_001353960.2); c.1560+2352A>C (NM_001353961.2).
Identifiers: ClinVar variation 1655438 (VCV001655438.9), dbSNP rs2105547919, ClinGen allele CA2573133063.
Genomic context (GRCh38, chr2:166,007,367, plus strand): 5'-AAATATATAGTTTGTTATTAGTTAGAAATCTGATATGACAGAACATTTGGTGTTACTTTT[T>G]GTTCATGATGCTCTCCGTCTGTTTCCCTATCCATTAAGACTTGAGTTCTTTTGAAAAAGA-3'

ClinVar aggregate classification (germline): Uncertain significance (1 of 4 stars; one submission).

Conditions:
Early-infantile DEE. Also called: Early infantile epileptic encephalopathy; Early infantile epileptic encephalopathy with suppression bursts; Ohtahara syndrome. Identifiers: Orphanet 1934, MedGen C0393706, MONDO:0800491.

Submission:

Labcorp Genetics (formerly Invitae), Labcorp
Classification: Uncertain significance for Early-infantile DEE. Last evaluated: 2024-05-15. Review status: criteria provided, single submitter. Criteria: Invitae Variant Classification Sherloc (09022015). Collection method: clinical testing. Allele origin: germline.
Comment: This sequence change falls in intron 20 of the SCN1A gene. It does not directly change the encoded amino acid sequence of the SCN1A protein. However, this sequence change falls within a region encompassing a cryptic exon in the SCN1A gene, in which variants have been shown to alter splicing (PMID: 30526861, 34107977). This variant is not present in population databases (gnomAD no frequency). This variant has not been reported in the literature in individuals affected with SCN1A-related conditions. ClinVar contains an entry for this variant (Variation ID: 1655438). Algorithms developed to predict the effect of sequence changes on RNA splicing suggest that this variant is not likely to affect RNA splicing. In summary, the available evidence is currently insufficient to determine the role of this variant in disease. Therefore, it has been classified as a Variant of Uncertain Significance.

Literature cited by the submitters: PubMed 30526861; PubMed 34107977.